The following is an entry in ClinVar:

ClinVar aggregate classification (germline): Likely benign. Review status: criteria provided, multiple submitters, no conflicts (2 of 4 stars). 3 submissions from 3 submitters: Likely benign (3). Last evaluated 2025-07-06.

Conditions:
Familial cancer of breast. Also called: Hereditary breast cancer; hereditary breast carcinoma; BREAST CANCER, FAMILIAL. Identifiers: Orphanet 227535, MedGen C0346153, MONDO:0016419, OMIM 114480. Disease mechanism: loss of function.
Ataxia-telangiectasia syndrome (AT). Also called: Cerebello-oculocutaneous telangiectasia; Immunodeficiency with ataxia telangiectasia; ATAXIA-TELANGIECTASIA, COMPLEMENTATION GROUP A; ATAXIA-TELANGIECTASIA, FRESNO VARIANT; Ataxia-telangiectasia; LOUIS-BAR SYNDROME. Identifiers: Orphanet 100, MedGen C0004135, MONDO:0008840, OMIM 208900.

Allele frequency attached by ClinVar (database versions not stated): TOPMed below 0.00001; ExAC 0.00001; gnomAD exomes 0.00001 and below 0.00001.
gnomAD v4.1: 3 of 1,596,370 alleles (0.00019%); highest among the groups gnomAD compares: Admixed American, 0.0017%; no homozygotes.

Submissions (3):

Labcorp Genetics (formerly Invitae), Labcorp
Classification: Likely benign for Ataxia-telangiectasia syndrome. Last evaluated: 2025-07-06. Review status: criteria provided, single submitter. Criteria: Invitae Variant Classification Sherloc (09022015). Collection method: clinical testing. Allele origin: germline.

Myriad Genetics, Inc.
Classification: Likely benign for Familial cancer of breast. Last evaluated: 2024-04-18. Review status: criteria provided, single submitter. Criteria: Myriad Autosomal Dominant, Autosomal Recessive and X-Linked Classification Criteria (2023). Collection method: clinical testing. Allele origin: unknown.
Comment: This variant is considered likely benign. This variant is intronic and is not expected to impact mRNA splicing.

Blueprint Genetics
Classification: Likely benign. Last evaluated: 2022-01-06. Review status: criteria provided, single submitter. Criteria: ACMG Guidelines, 2015. Collection method: clinical testing. Allele origin: germline.

NM_000051.4(ATM):c.331+10G>A

Gene: ATM (ATM serine/threonine kinase; plus strand). Cytogenetic location: 11q22.3.
Variant type: single nucleotide variant.
Coding change: c.331+10G>A on transcript NM_000051.4 (MANE Select); 10 bases into the intron after coding-DNA position 331, G replaced by A.
Molecular consequence: intron variant. On other transcripts: 3 prime UTR variant (2).
Genome position (GRCh38, 1-based): chr11:108,229,333, G>A. VCF-style: chr11-108229333-G-A. GRCh37 (hg19) VCF-style: chr11-108100060-G-A.
Other names: c.*2G>A (NM_001351835.2, NM_001351836.2); c.331+10G>A (NM_001351834.2).
Identifiers: ClinVar variation 753458 (VCV000753458.12), dbSNP rs755557468, ClinGen allele CA6264552.